The following is an entry in ClinVar:

NM_002691.4(POLD1):c.2960A>T (p.Asp987Val)

Gene: POLD1 (DNA polymerase delta 1, catalytic subunit; plus strand). Cytogenetic location: 19q13.33.
Variant type: single nucleotide variant.
Coding change: c.2960A>T on transcript NM_002691.4 (MANE Select); coding-DNA position 2960, A replaced by T.
Protein change: p.Asp987Val; replaces aspartic acid 987 with valine.
Molecular consequence: missense variant. On other transcripts: non-coding transcript variant (1).
Genome position (GRCh38, 1-based): chr19:50,416,616, A>T. VCF-style: chr19-50416616-A-T. GRCh37 (hg19) VCF-style: chr19-50919873-A-T.
Other names: c.2960A>T (NM_002691.2); c.3038A>T, p.Asp1013Val (NM_001308632.1); c.2960A>T, p.Asp987Val (NM_001256849.1); short protein forms D1013V, D987V.
Identifiers: ClinVar variation 2016419 (VCV002016419.6), dbSNP rs2122495383, ClinGen allele CA406986786.

ClinVar aggregate classification (germline): Uncertain significance. Review status: criteria provided, multiple submitters, no conflicts (2 of 4 stars). 2 submissions from 2 submitters: Uncertain significance (2). Last evaluated 2023-07-09.

Conditions:
POLD1-related polyposis and colorectal cancer syndrome (CRCS10). Also called: Colorectal cancer 10; COLORECTAL CANCER, SUSCEPTIBILITY TO, ON CHROMOSOME 19q; Colorectal cancer, susceptibility to, 10. Identifiers: Orphanet 220460, MedGen C2675481, MONDO:0012953, OMIM 612591.
Hereditary cancer-predisposing syndrome. Also called: Tumor predisposition; Neoplastic Syndromes, Hereditary; Hereditary Cancer Syndrome; Hereditary neoplastic syndrome. Identifiers: Orphanet 140162, MedGen C0027672, MeSH D009386, MONDO:0015356.

Submissions (2):

Ambry Genetics
Classification: Uncertain significance for Hereditary cancer-predisposing syndrome. Last evaluated: 2023-07-09. Review status: criteria provided, single submitter. Criteria: Ambry Variant Classification Scheme 2023. Collection method: clinical testing. Allele origin: germline.
Comment: The p.D987V variant (also known as c.2960A>T), located in coding exon 23 of the POLD1 gene, results from an A to T substitution at nucleotide position 2960. The aspartic acid at codon 987 is replaced by valine, an amino acid with highly dissimilar properties. This amino acid position is conserved. In addition, this alteration is predicted to be tolerated by in silico analysis. Since supporting evidence is limited at this time, the clinical significance of this alteration remains unclear.

Labcorp Genetics (formerly Invitae), Labcorp
Classification: Uncertain significance for POLD1-related polyposis and colorectal cancer syndrome. Last evaluated: 2022-09-01. Review status: criteria provided, single submitter. Criteria: Invitae Variant Classification Sherloc (09022015). Collection method: clinical testing. Allele origin: germline.
Comment: Algorithms developed to predict the effect of missense changes on protein structure and function are either unavailable or do not agree on the potential impact of this missense change (SIFT: "Deleterious"; PolyPhen-2: "Possibly Damaging"; Align-GVGD: "Class C0"). In summary, the available evidence is currently insufficient to determine the role of this variant in disease. Therefore, it has been classified as a Variant of Uncertain Significance. This variant has not been reported in the literature in individuals affected with POLD1-related conditions. This sequence change replaces aspartic acid, which is acidic and polar, with valine, which is neutral and non-polar, at codon 987 of the POLD1 protein (p.Asp987Val). This variant is not present in population databases (gnomAD no frequency).